The following is an entry in ClinVar:

ClinVar aggregate classification (germline): Uncertain significance (1 of 4 stars; one submission).

Submission:

Labcorp Genetics (formerly Invitae), Labcorp
Classification: Uncertain significance. Last evaluated: 2022-11-03. Review status: criteria provided, single submitter. Criteria: Invitae Variant Classification Sherloc (09022015). Collection method: clinical testing. Allele origin: germline.
Comment: This sequence change creates a premature translational stop signal (p.Glu155Glyfs*26) in the TRAPPC3 gene. While this is not anticipated to result in nonsense mediated decay, it is expected to disrupt the last 34 amino acid(s) of the TRAPPC3 protein. This variant is not present in population databases (gnomAD no frequency). This variant has not been reported in the literature in individuals affected with TRAPPC3-related conditions. In summary, the available evidence is currently insufficient to determine the role of this variant in disease. Therefore, it has been classified as a Variant of Uncertain Significance.

NM_014408.5(TRAPPC3):c.437dup (p.Glu147fs)

Gene: TRAPPC3 (trafficking protein particle complex subunit 3; minus strand). Cytogenetic location: 1p34.3.
Variant type: Duplication.
Coding change: c.437dup on transcript NM_014408.5 (MANE Select); coding-DNA position 437, one base duplicated (T; older notation c.437dupT).
Protein change: p.Glu147fs; shifts the reading frame from glutamic acid 147.
Molecular consequence: frameshift variant. On other transcripts: non-coding transcript variant (2).
Genome position (GRCh38, 1-based): chr1:36,137,309, A duplicated on the plus strand (T on the coding strand, the reverse complement: TRAPPC3 is on the minus strand). VCF-style (leftmost placement, unchanged base first): chr1-36137308-C-CA. GRCh37 (hg19) VCF-style: chr1-36602909-C-CA.
Other names: c.461dup, p.Glu155fs (NM_001270894.2); c.299dup, p.Glu101fs (NM_001270895.2, NM_001270896.2); c.239dup, p.Glu81fs (NM_001270897.2); short protein forms E155fs, E101fs, E81fs, E147fs.
Identifiers: ClinVar variation 2020711 (VCV002020711.4), dbSNP rs2524784292, ClinGen allele CA2580062694.